The following is an entry in ClinVar:

NM_006929.5(SKIC2):c.1636G>A (p.Gly546Ser)

Gene: SKIC2 (SKI2 subunit of superkiller complex; plus strand). Cytogenetic location: 6p21.33.
Variant type: single nucleotide variant.
Coding change: c.1636G>A on transcript NM_006929.5 (MANE Select); coding-DNA position 1636, G replaced by A.
Protein change: p.Gly546Ser; replaces glycine 546 with serine.
Molecular consequence: missense variant.
Genome position (GRCh38, 1-based): chr6:31,963,722, G>A. VCF-style: chr6-31963722-G-A. GRCh37 (hg19) VCF-style: chr6-31931499-G-A.
Other names: short protein forms G546S.
Identifiers: ClinVar variation 2099036 (VCV002099036.1), dbSNP rs779912436, ClinGen allele CA3729529.

ClinVar aggregate classification (germline): Uncertain significance (1 of 4 stars; one submission).

Allele frequency attached by ClinVar (database versions not stated): ExAC 0.00001; TOPMed 0.00001; gnomAD 0.00002.
gnomAD v4.1: 10 of 1,542,724 alleles (0.00065%); highest among the groups gnomAD compares: Non-Finnish European, 0.00078%; no homozygotes.

Submission:

Labcorp Genetics (formerly Invitae), Labcorp
Classification: Uncertain significance. Last evaluated: 2022-04-04. Review status: criteria provided, single submitter. Criteria: Invitae Variant Classification Sherloc (09022015). Collection method: clinical testing. Allele origin: germline.
Comment: This sequence change replaces glycine, which is neutral and non-polar, with serine, which is neutral and polar, at codon 546 of the SKIV2L protein (p.Gly546Ser). The frequency data for this variant in the population databases is considered unreliable, as metrics indicate poor data quality at this position in the gnomAD database. This variant has not been reported in the literature in individuals affected with SKIV2L-related conditions. Algorithms developed to predict the effect of missense changes on protein structure and function (SIFT, PolyPhen-2, Align-GVGD) all suggest that this variant is likely to be tolerated. In summary, the available evidence is currently insufficient to determine the role of this variant in disease. Therefore, it has been classified as a Variant of Uncertain Significance.